The following is an entry in ClinVar:

ClinVar aggregate classification (germline): Uncertain significance (1 of 4 stars; one submission).

Allele frequency attached by ClinVar (database versions not stated): TOPMed below 0.00001; gnomAD exomes 0.00001; ExAC 0.00002.
gnomAD v4.1: 19 of 1,613,712 alleles (0.0012%); highest among the groups gnomAD compares: South Asian, 0.021%; 1 homozygote.

Submission:

Labcorp Genetics (formerly Invitae), Labcorp
Classification: Uncertain significance. Last evaluated: 2022-01-13. Review status: criteria provided, single submitter. Criteria: Invitae Variant Classification Sherloc (09022015). Collection method: clinical testing. Allele origin: germline.
Comment: In summary, the available evidence is currently insufficient to determine the role of this variant in disease. Therefore, it has been classified as a Variant of Uncertain Significance. Algorithms developed to predict the effect of missense changes on protein structure and function are either unavailable or do not agree on the potential impact of this missense change (SIFT: "Deleterious"; PolyPhen-2: "Benign"; Align-GVGD: "Class C0"). This variant has not been reported in the literature in individuals affected with GABRB1-related conditions. This variant is present in population databases (rs772220562, gnomAD 0.02%). This sequence change replaces proline, which is neutral and non-polar, with threonine, which is neutral and polar, at codon 31 of the GABRB1 protein (p.Pro31Thr).

NM_000812.4(GABRB1):c.91C>A (p.Pro31Thr)

Gene: GABRB1 (gamma-aminobutyric acid type A receptor subunit beta1; plus strand). Cytogenetic location: 4p12.
Variant type: single nucleotide variant.
Coding change: c.91C>A on transcript NM_000812.4 (MANE Select); coding-DNA position 91, C replaced by A.
Protein change: p.Pro31Thr; replaces proline 31 with threonine.
Molecular consequence: missense variant.
Genome position (GRCh38, 1-based): chr4:47,031,924, C>A. VCF-style: chr4-47031924-C-A. GRCh37 (hg19) VCF-style: chr4-47033941-C-A.
Other names: short protein forms P31T.
Identifiers: ClinVar variation 2082021 (VCV002082021.4), dbSNP rs772220562, ClinGen allele CA2907435.
Genomic context (GRCh38, chr4:47,031,924, plus strand): 5'-GCTCACAGTTTGTGCTCATTTTGAATACGGTCCCTACTTCTTCCCCTTAGCACCAATGAA[C>A]CCAGCAACATGTCATACGTGAAAGAGACAGTGGACAGATTGCTCAAAGGATATGACATTC-3'
Protein context (NP_000803.2, residues 21-41): MVCCAHSTNE[Pro31Thr]SNMSYVKETV